The following is an entry in ClinVar:

ClinVar aggregate classification (germline): Conflicting classifications of pathogenicity. Review status: criteria provided, conflicting classifications (1 of 4 stars). 4 submissions from 4 submitters: Uncertain significance (3); Likely benign (1). Last evaluated 2026-01-12.

Conditions:
Inborn genetic diseases. Identifiers: MedGen C0950123, MeSH D030342.
Camptomelic dysplasia (CMPD). Also called: Campomelic Dysplasia; CMPD1/SRA1. Identifiers: Orphanet 140, MedGen C1861922, MONDO:0007251, OMIM 114290.

Submissions (4):

Women's Health and Genetics/Laboratory Corporation of America, LabCorp
Classification: Uncertain significance. Last evaluated: 2026-01-12. Review status: criteria provided, single submitter. Criteria: LabCorp Variant Classification Summary - May 2015. Collection method: clinical testing. Allele origin: germline.
Comment: Variant summary: SOX9 c.1080_1100del21 (p.Pro362_Gln368del) results in an in-frame deletion that is predicted to remove seven amino acids from the encoded protein. The variant was absent in 7144 control chromosomes (gnomAD). The available data on variant occurrences in the general population are insufficient to allow any conclusion about variant significance. To our knowledge, no occurrence of c.1080_1100del21 in individuals affected with SOX9-related conditions and no experimental evidence demonstrating its impact on protein function have been reported. ClinVar contains an entry for this variant (Variation ID: 958593). Based on the evidence outlined above, the variant was classified as uncertain significance.

Ambry Genetics
Classification: Uncertain significance for Inborn genetic diseases. Last evaluated: 2022-02-01. Review status: criteria provided, single submitter. Criteria: Ambry Variant Classification Scheme 2023. Collection method: clinical testing. Allele origin: germline.
Comment: The c.1080_1100del21 () alteration is located in exon 3 (coding exon 3) of the SOX9 gene. This alteration consists of an in-frame deletion of 21 nucleotides between nucleotide positions c.1080 and c.1100, resulting in the deletion of 7 residues. Based on insufficient or conflicting evidence, the clinical significance of this alteration remains unclear.

Labcorp Genetics (formerly Invitae), Labcorp
Classification: Uncertain significance for Camptomelic dysplasia. Last evaluated: 2021-08-25. Review status: criteria provided, single submitter. Criteria: Invitae Variant Classification Sherloc (09022015). Collection method: clinical testing. Allele origin: germline.
Comment: In summary, the available evidence is currently insufficient to determine the role of this variant in disease. Therefore, it has been classified as a Variant of Uncertain Significance. This variant, c.1080_1100del, results in the deletion of 7 amino acid(s) of the SOX9 protein (p.Pro362_Gln368del), but otherwise preserves the integrity of the reading frame. The frequency data for this variant in the population databases is considered unreliable, as metrics indicate poor data quality at this position in the ExAC database. This variant has not been reported in the literature in individuals with SOX9-related conditions. Experimental studies and prediction algorithms are not available or were not evaluated, and the functional significance of this variant is currently unknown.

GeneDx
Classification: Likely benign. Last evaluated: 2020-11-16. Review status: criteria provided, single submitter. Criteria: GeneDx Variant Classification Process June 2021. Collection method: clinical testing. Allele origin: germline. Affected: yes.
Comment: Not observed in large population cohorts (Lek et al., 2016); In-frame deletion of 7 amino acids in a non-repeat region; In silico analysis, which includes protein predictors and evolutionary conservation, supports that this variant does not alter protein structure/function; Has not been previously published as pathogenic or benign to our knowledge

NM_000346.4(SOX9):c.1080_1100del (p.Pro362_Gln368del)

Gene: SOX9 (SRY-box transcription factor 9; plus strand). Cytogenetic location: 17q24.3.
Variant type: Deletion.
Coding change: c.1080_1100del on transcript NM_000346.4 (MANE Select); coding-DNA positions 1080 to 1100, 21 bases deleted (GCAGCCGCAGGCGGCGCCCCC).
Protein change: p.Pro362_Gln368del.
Molecular consequence: inframe deletion.
Genome position (GRCh38, 1-based): chr17:72,123,937-72,123,957, GCAGCCGCAGGCGGCGCCCCC deleted; deleting any 21 consecutive bases within chr17:72,123,928-72,123,957 gives the same sequence; the c. name uses the placement nearest the transcript's 3' end. VCF-style (leftmost placement, unchanged base first): chr17-72123927-AGGCGCCCCCGCAGCCGCAGGC-A. GRCh37 (hg19) VCF-style: chr17-70120068-AGGCGCCCCCGCAGCCGCAGGC-A.
Other names: c.1080_1100delGCAGCCGCAGGCGGCGCCCCC (NM_000346.3); c.1080_1100del21 (NM_000346.4).
Identifiers: ClinVar variation 958593 (VCV000958593.14), dbSNP rs772713612, ClinGen allele CA8739085.